The following is an entry in ClinVar:

ClinVar aggregate classification (germline): Uncertain significance. Review status: criteria provided, multiple submitters, no conflicts (2 of 4 stars). 2 submissions from 2 submitters: Uncertain significance (2). Last evaluated 2023-11-04.

Conditions:
Inborn genetic diseases. Identifiers: MedGen C0950123, MeSH D030342.

Allele frequency attached by ClinVar (database versions not stated): TOPMed below 0.00001; gnomAD 0.00001; gnomAD exomes 0.00001; 1000 Genomes Project 30x 0.00016; 1000 Genomes Project 0.00020.
gnomAD v4.1: 10 of 1,611,434 alleles (0.00062%); highest among the groups gnomAD compares: Non-Finnish European, 0.00085%; no homozygotes.

Submissions (2):

Labcorp Genetics (formerly Invitae), Labcorp
Classification: Uncertain significance. Last evaluated: 2023-11-04. Review status: criteria provided, single submitter. Criteria: Invitae Variant Classification Sherloc (09022015). Collection method: clinical testing. Allele origin: germline.
Comment: This sequence change replaces serine, which is neutral and polar, with glycine, which is neutral and non-polar, at codon 512 of the COL18A1 protein (p.Ser512Gly). This variant is not present in population databases (gnomAD no frequency). This variant has not been reported in the literature in individuals affected with COL18A1-related conditions. ClinVar contains an entry for this variant (Variation ID: 2128704). Experimental studies and prediction algorithms are not available or were not evaluated, and the functional significance of this variant is currently unknown. In summary, the available evidence is currently insufficient to determine the role of this variant in disease. Therefore, it has been classified as a Variant of Uncertain Significance.

Ambry Genetics
Classification: Uncertain significance for Inborn genetic diseases. Last evaluated: 2023-02-06. Review status: criteria provided, single submitter. Criteria: Ambry Variant Classification Scheme 2023. Collection method: clinical testing. Allele origin: germline.

NM_001379500.1(COL18A1):c.1534A>G (p.Ser512Gly)

Gene: COL18A1 (collagen type XVIII alpha 1 chain; plus strand). Cytogenetic location: 21q22.3.
Variant type: single nucleotide variant.
Coding change: c.1534A>G on transcript NM_001379500.1 (MANE Select); coding-DNA position 1534, A replaced by G.
Protein change: p.Ser512Gly; replaces serine 512 with glycine.
Molecular consequence: missense variant.
Genome position (GRCh38, 1-based): chr21:45,480,781, A>G. VCF-style: chr21-45480781-A-G. GRCh37 (hg19) VCF-style: chr21-46900695-A-G.
Other names: NM_130445.2:c.1534A>G; c.2074A>G, p.Ser692Gly (NM_030582.4); c.2779A>G, p.Ser927Gly (NM_130444.3); short protein forms S512G, S692G, S927G.
Identifiers: ClinVar variation 2128704 (VCV002128704.6), dbSNP rs565575693, ClinGen allele CA321917455.
Genomic context (GRCh38, chr21:45,480,781, plus strand): 5'-CCTCCCGGACCCCCCGGTGTCCCAGGCCTGCCCGGCGAGCCAGGCCGCTTTGGGGTGAAC[A>G]GCTCCGACGTCCCAGGACCCGCCGGCCTTCCTGGTGTGCCTGGGCGCGAGGGTCCCCCCG-3'
Protein context (NP_001366429.1, residues 502-522): PGEPGRFGVN[Ser512Gly]SDVPGPAGLP